The following is an entry in ClinVar:

NM_002528.7(NTHL1):c.355-12C>G

Gene: NTHL1 (nth like DNA glycosylase 1; minus strand). Cytogenetic location: 16p13.3.
Variant type: single nucleotide variant.
Coding change: c.355-12C>G on transcript NM_002528.7 (MANE Select); 12 bases into the intron before coding-DNA position 355, C replaced by G.
Molecular consequence: intron variant.
Genome position (GRCh38, 1-based): chr16:2,044,812, G>C on the plus strand (C>G on the coding strand, the complement: NTHL1 is on the minus strand). VCF-style: chr16-2044812-G-C. GRCh37 (hg19) VCF-style: chr16-2094813-G-C.
Other names: c.25-12C>G (NM_001318194.2); c.355-1086C>G (NM_001318193.2).
Identifiers: ClinVar variation 2843416 (VCV002843416.3), dbSNP rs2073637, ClinGen allele CA276764690.

ClinVar aggregate classification (germline): Uncertain significance (1 of 4 stars; one submission).

Submission:

Labcorp Genetics (formerly Invitae), Labcorp
Classification: Uncertain significance. Last evaluated: 2023-03-07. Review status: criteria provided, single submitter. Criteria: Invitae Variant Classification Sherloc (09022015). Collection method: clinical testing. Allele origin: germline.
Comment: This variant is not present in population databases (gnomAD no frequency). This variant has not been reported in the literature in individuals affected with NTHL1-related conditions. Algorithms developed to predict the effect of sequence changes on RNA splicing suggest that this variant may disrupt the consensus splice site. In summary, the available evidence is currently insufficient to determine the role of this variant in disease. Therefore, it has been classified as a Variant of Uncertain Significance. This sequence change falls in intron 2 of the NTHL1 gene. It does not directly change the encoded amino acid sequence of the NTHL1 protein.